The following is an entry in ClinVar:

ClinVar aggregate classification (germline): Likely benign. Review status: criteria provided, multiple submitters, no conflicts (2 of 4 stars). 2 submissions from 2 submitters: Likely benign (2). Last evaluated 2026-01-26.

Allele frequency attached by ClinVar (database versions not stated): ExAC 0.00002; gnomAD exomes 0.00002; gnomAD 0.00005 and 0.00006; TOPMed 0.00005; ESP Exome Variant Server 0.00008.
gnomAD v4.1: 36 of 1,614,076 alleles (0.0022%); highest among the groups gnomAD compares: African/African-American, 0.013%; no homozygotes.

Submissions (2):

Labcorp Genetics (formerly Invitae), Labcorp
Classification: Likely benign. Last evaluated: 2026-01-26. Review status: criteria provided, single submitter. Criteria: Invitae Variant Classification Sherloc (09022015). Collection method: clinical testing. Allele origin: germline.

GeneDx
Classification: Likely benign. Last evaluated: 2017-11-29. Review status: criteria provided, single submitter. Criteria: GeneDx Variant Classification (06012015). Collection method: clinical testing. Allele origin: germline. Affected: yes.
Comment: This variant is considered likely benign or benign based on one or more of the following criteria: it is a conservative change, it occurs at a poorly conserved position in the protein, it is predicted to be benign by multiple in silico algorithms, and/or has population frequency not consistent with disease.

NM_006231.4(POLE):c.4444+19G>A

Gene: POLE (DNA polymerase epsilon, catalytic subunit; minus strand). Cytogenetic location: 12q24.33.
Variant type: single nucleotide variant.
Coding change: c.4444+19G>A on transcript NM_006231.4 (MANE Select); 19 bases into the intron after coding-DNA position 4444, G replaced by A.
Molecular consequence: intron variant.
Genome position (GRCh38, 1-based): chr12:132,643,388, C>T on the plus strand (G>A on the coding strand, the complement: POLE is on the minus strand). VCF-style: chr12-132643388-C-T. GRCh37 (hg19) VCF-style: chr12-133219974-C-T.
Identifiers: ClinVar variation 382571 (VCV000382571.8), dbSNP rs368659272, ClinGen allele CA6892851.